The following is an entry in ClinVar:

NM_004104.5(FASN):c.4462C>T (p.Pro1488Ser)

Gene: FASN (fatty acid synthase; minus strand). Cytogenetic location: 17q25.3.
Variant type: single nucleotide variant.
Coding change: c.4462C>T on transcript NM_004104.5 (MANE Select); coding-DNA position 4462, C replaced by T.
Protein change: p.Pro1488Ser; replaces proline 1488 with serine.
Molecular consequence: missense variant.
Genome position (GRCh38, 1-based): chr17:82,084,901, G>A on the plus strand (C>T on the coding strand, the complement: FASN is on the minus strand). VCF-style: chr17-82084901-G-A. GRCh37 (hg19) VCF-style: chr17-80042777-G-A.
Other names: short protein forms P1488S.
Identifiers: ClinVar variation 2345493 (VCV002345493.6), dbSNP rs777087105, ClinGen allele CA295129522.

ClinVar aggregate classification (germline): Uncertain significance. Review status: criteria provided, multiple submitters, no conflicts (2 of 4 stars). 2 submissions from 2 submitters: Uncertain significance (2). Last evaluated 2025-10-07.

Conditions:
Epileptic encephalopathy. Identifiers: MedGen C0543888, HP:0200134.

Allele frequency attached by ClinVar (database versions not stated): TOPMed 0.00003; gnomAD exomes 0.00004; gnomAD 0.00002.
gnomAD v4.1: 65 of 1,551,644 alleles (0.0042%); highest among the groups gnomAD compares: South Asian, 0.0083%; no homozygotes.

Submissions (2):

Ambry Genetics
Classification: Uncertain significance. Last evaluated: 2025-10-07. Review status: criteria provided, single submitter. Criteria: Ambry Variant Classification Scheme 2023. Collection method: clinical testing. Allele origin: germline.

Labcorp Genetics (formerly Invitae), Labcorp
Classification: Uncertain significance for Epileptic encephalopathy. Last evaluated: 2025-04-26. Review status: criteria provided, single submitter. Criteria: Invitae Variant Classification Sherloc (09022015). Collection method: clinical testing. Allele origin: germline.
Comment: This sequence change replaces proline, which is neutral and non-polar, with serine, which is neutral and polar, at codon 1488 of the FASN protein (p.Pro1488Ser). This variant is present in population databases (rs777087105, gnomAD 0.01%). This variant has not been reported in the literature in individuals affected with FASN-related conditions. ClinVar contains an entry for this variant (Variation ID: 2345493). An algorithm developed to predict the effect of missense changes on protein structure and function (PolyPhen-2) suggests that this variant is likely to be tolerated. In summary, the available evidence is currently insufficient to determine the role of this variant in disease. Therefore, it has been classified as a Variant of Uncertain Significance.